The following is an entry in ClinVar:

NM_000489.6(ATRX):c.632G>A (p.Arg211His)

Gene: ATRX (ATRX chromatin remodeler; minus strand). Cytogenetic location: Xq21.1.
Variant type: single nucleotide variant.
Coding change: c.632G>A on transcript NM_000489.6 (MANE Select); coding-DNA position 632, G replaced by A.
Protein change: p.Arg211His; replaces arginine 211 with histidine.
Molecular consequence: missense variant.
Genome position (GRCh38, 1-based): chrX:77,684,969, C>T on the plus strand (G>A on the coding strand, the complement: ATRX is on the minus strand). VCF-style: chrX-77684969-C-T. GRCh37 (hg19) VCF-style: chrX-76940461-C-T.
Other names: c.518G>A, p.Arg173His (NM_138270.5); c.632G>A (NM_000489.4); short protein forms R173H, R211H.
Identifiers: ClinVar variation 2507114 (VCV002507114.3), dbSNP rs2520035504, ClinGen allele CA413721098.

ClinVar aggregate classification (germline): Uncertain significance. Review status: criteria provided, multiple submitters, no conflicts (2 of 4 stars). 2 submissions from 2 submitters: Uncertain significance (2). Last evaluated 2025-09-24.

Conditions:
ATRX-related disorder. Also called: ATRX-related condition.

Allele frequency attached by ClinVar (database versions not stated): gnomAD 0.00001.

Submissions (2):

PreventionGenetics, part of Exact Sciences
Classification: Uncertain significance for ATRX-related condition. Last evaluated: 2025-09-24. Review status: criteria provided, single submitter. Criteria: ACMG Guidelines, 2015. Collection method: clinical testing. Allele origin: germline.
Comment: The ATRX c.632G>A variant is predicted to result in the amino acid substitution p.Arg211His. To our knowledge, this variant has not been reported in the literature or in a large population database (gnomAD), indicating this variant is rare. At this time, the clinical significance of this variant is uncertain due to the absence of conclusive functional and genetic evidence.

GeneDx
Classification: Uncertain significance. Last evaluated: 2023-11-10. Review status: criteria provided, single submitter. Criteria: GeneDx Variant Classification Process June 2021. Collection method: clinical testing. Allele origin: germline. Affected: yes.
Comment: Not observed at significant frequency in large population cohorts (gnomAD); In silico analysis supports that this missense variant does not alter protein structure/function; Has not been previously published as pathogenic or benign to our knowledge; This variant is associated with the following publications: (PMID: 18409179)